The following is an entry in ClinVar:

ClinVar aggregate classification (germline): Uncertain significance. Review status: criteria provided, multiple submitters, no conflicts (2 of 4 stars). 2 submissions from 2 submitters: Uncertain significance (2). Last evaluated 2024-01-24.

Conditions:
Inborn genetic diseases. Identifiers: MedGen C0950123, MeSH D030342.
Hyperphosphatasia with impaired intellectual development syndrome 2. Also called: Hyperphosphatasia with intellectual disability syndrome 2; GLYCOSYLPHOSPHATIDYLINOSITOL BIOSYNTHESIS DEFECT 6. Identifiers: Orphanet 247262, MedGen C3553637, MONDO:0013882, OMIM 614749.

Allele frequency attached by ClinVar (database versions not stated): gnomAD exomes below 0.00001; TOPMed 0.00001.
gnomAD v4.1: 1 of 1,614,216 alleles (0.000062%); highest among the groups gnomAD compares: East Asian, 0.0022%; no homozygotes.

Submissions (2):

Ambry Genetics
Classification: Uncertain significance for Inborn genetic diseases. Last evaluated: 2024-01-24. Review status: criteria provided, single submitter. Criteria: Ambry Variant Classification Scheme 2023. Collection method: clinical testing. Allele origin: germline.

Labcorp Genetics (formerly Invitae), Labcorp
Classification: Uncertain significance for Hyperphosphatasia with impaired intellectual development syndrome 2. Last evaluated: 2022-02-24. Review status: criteria provided, single submitter. Criteria: Invitae Variant Classification Sherloc (09022015). Collection method: clinical testing. Allele origin: germline.
Comment: This variant has not been reported in the literature in individuals affected with PIGO-related conditions. This sequence change replaces leucine, which is neutral and non-polar, with serine, which is neutral and polar, at codon 577 of the PIGO protein (p.Leu577Ser). This variant is present in population databases (no rsID available, gnomAD 0.006%). ClinVar contains an entry for this variant (Variation ID: 1002547). Algorithms developed to predict the effect of missense changes on protein structure and function (SIFT, PolyPhen-2, Align-GVGD) all suggest that this variant is likely to be disruptive. In summary, the available evidence is currently insufficient to determine the role of this variant in disease. Therefore, it has been classified as a Variant of Uncertain Significance.

NM_032634.4(PIGO):c.1730T>C (p.Leu577Ser)

Gene: PIGO (phosphatidylinositol glycan anchor biosynthesis class O; minus strand). Cytogenetic location: 9p13.3.
Variant type: single nucleotide variant.
Coding change: c.1730T>C on transcript NM_032634.4 (MANE Select); coding-DNA position 1730, T replaced by C.
Protein change: p.Leu577Ser; replaces leucine 577 with serine.
Molecular consequence: missense variant. On other transcripts: intron variant (2).
Genome position (GRCh38, 1-based): chr9:35,092,157, A>G on the plus strand (T>C on the coding strand, the complement: PIGO is on the minus strand). VCF-style: chr9-35092157-A-G. GRCh37 (hg19) VCF-style: chr9-35092154-A-G.
Other names: c.1344+386T>C (NM_152850.4, NM_001201484.2); c.1730T>C (NM_032634.3); short protein forms L577S.
Identifiers: ClinVar variation 1002547 (VCV001002547.9), dbSNP rs1396494796, ClinGen allele CA373321533.
Genomic context (GRCh38, chr9:35,092,157, plus strand): 5'-GGTGGAAGCAGCTGGCCCTCCCAGTGAAGCTGGACAACCAGGAGCAGGATGAATGAGCCC[A>G]AAAGGAAGGGGGTGGCCCTGGCCTCAGCTACAACAAAACTATCAGAGAAGAACACAGCCA-3'
Protein context (NP_116023.2, residues 567-587): VAEARATPFL[Leu577Ser]GSFILLLVVQ